The following is an entry in ClinVar:

NM_002474.3(MYH11):c.582C>G (p.Tyr194Ter)

Gene: MYH11 (myosin heavy chain 11; minus strand). Cytogenetic location: 16p13.11.
Variant type: single nucleotide variant.
Coding change: c.582C>G on transcript NM_002474.3 (MANE Select); coding-DNA position 582, C replaced by G.
Protein change: p.Tyr194Ter; replaces tyrosine 194 with a stop codon.
Molecular consequence: nonsense.
Genome position (GRCh38, 1-based): chr16:15,786,681, G>C on the plus strand (C>G on the coding strand, the complement: MYH11 is on the minus strand). VCF-style: chr16-15786681-G-C. GRCh37 (hg19) VCF-style: chr16-15880538-G-C.
Other names: c.582C>G, p.Tyr194Ter (NM_001040113.2, NM_001040114.2, NM_022844.3); short protein forms Y194*.
Identifiers: ClinVar variation 3382738 (VCV003382738.3).
Genomic context (GRCh38, chr16:15,786,681, plus strand): 5'-GCCACTCACCGTGATACTTGTGTCTTTCTTGCCCTTGTGGGAGGAGGCCACCACGGCCAG[G>C]TACTGAATGACCTTCTTGGTGTTTTCGGTTTTCCCGGCTCCAGACTCGCCTCTGAAAGAC-3'

ClinVar aggregate classification (germline): Likely pathogenic (1 of 4 stars; one submission).

Conditions:
Aortic aneurysm, familial thoracic 4 (AAT4). Also called: AORTIC ANEURYSM/AORTIC DISSECTION AND PATENT DUCTUS ARTERIOSUS. Identifiers: MedGen C1851504, MONDO:0007568, OMIM 132900.
Megacystis-microcolon-intestinal hypoperistalsis syndrome 2. Identifiers: MedGen C5543476, MONDO:0025708, OMIM 619351.
Visceral myopathy 2. Identifiers: MedGen C5543466, MONDO:0859157, OMIM 619350.

gnomAD v4.1: 1 of 1,614,164 alleles (0.000062%); highest among the groups gnomAD compares: Non-Finnish European, 0.000085%; no homozygotes.

Submission:

Juno Genomics, Hangzhou Juno Genomics, Inc
Classification: Likely pathogenic for Aortic aneurysm, familial thoracic 4; Megacystis-microcolon-intestinal hypoperistalsis syndrome 2; Visceral myopathy 2. Review status: criteria provided, single submitter. Criteria: ACMG Guidelines, 2015. Collection method: clinical testing. Allele origin: germline.
Comment: Null variant in a gene where loss of function (LOF) is a known mechanism of disease.;Absent from controls (or at extremely low frequency if recessive) in Genome Aggregation Database.